The following is an entry in ClinVar:

ClinVar aggregate classification (germline): Conflicting classifications of pathogenicity. Review status: criteria provided, conflicting classifications (1 of 4 stars). 2 submissions from 2 submitters: Uncertain significance (1); Likely benign (1). Last evaluated 2025-11-05.

Conditions:
Inborn genetic diseases. Identifiers: MedGen C0950123, MeSH D030342.

Allele frequency attached by ClinVar (database versions not stated): 1000 Genomes Project 0.00459.

Submissions (2):

Ambry Genetics
Classification: Uncertain significance for Inborn genetic diseases. Last evaluated: 2025-11-05. Review status: criteria provided, single submitter. Criteria: Ambry Variant Classification Scheme 2023. Collection method: clinical testing. Allele origin: germline.

CeGaT Center for Human Genetics Tuebingen
Classification: Likely benign. Last evaluated: 2023-01-01. Review status: criteria provided, single submitter. Criteria: CeGaT Center For Human Genetics Tuebingen Variant Classification Criteria Version 2. Collection method: clinical testing. Allele origin: germline. Affected: yes. Observed: 1 variant allele.
Comment: FLG: BP4

NM_002016.2(FLG):c.6782G>C (p.Gly2261Ala)

Genes: CCDST (cervical cancer associated DHX9 suppressive transcript; plus strand), FLG (filaggrin; minus strand). Cytogenetic location: 1q21.3.
Variant type: single nucleotide variant.
Coding change: c.6782G>C on transcript NM_002016.2 (MANE Select); coding-DNA position 6782, G replaced by C.
Protein change: p.Gly2261Ala; replaces glycine 2261 with alanine.
Molecular consequence: missense variant.
Genome position (GRCh38, 1-based): chr1:152,308,104, C>G on the plus strand (G>C on the coding strand, the complement: FLG is on the minus strand). VCF-style: chr1-152308104-C-G. GRCh37 (hg19) VCF-style: chr1-152280580-C-G.
Other names: short protein forms G2261A.
Identifiers: ClinVar variation 2498415 (VCV002498415.28), dbSNP rs549099674, ClinGen allele CA1105052.